The following is an entry in ClinVar:

NM_018942.3(HMX1):c.340G>C (p.Ala114Pro)

Gene: HMX1 (H6 family homeobox 1; minus strand). Cytogenetic location: 4p16.1.
Variant type: single nucleotide variant.
Coding change: c.340G>C on transcript NM_018942.3 (MANE Select); coding-DNA position 340, G replaced by C.
Protein change: p.Ala114Pro; replaces alanine 114 with proline.
Molecular consequence: missense variant.
Genome position (GRCh38, 1-based): chr4:8,871,275, C>G on the plus strand (G>C on the coding strand, the complement: HMX1 is on the minus strand). VCF-style: chr4-8871275-C-G. GRCh37 (hg19) VCF-style: chr4-8873001-C-G.
Other names: c.340G>C, p.Ala114Pro (NM_001306142.2); short protein forms A114P.
Identifiers: ClinVar variation 1975971 (VCV001975971.5), dbSNP rs2474397622, ClinGen allele CA356278835.

ClinVar aggregate classification (germline): Uncertain significance (1 of 4 stars; one submission).

Allele frequency attached by ClinVar (database versions not stated): gnomAD exomes below 0.00001.
gnomAD v4.1: 1 of 1,482,268 alleles (0.000067%); highest among the groups gnomAD compares: Non-Finnish European, 0.000089%; no homozygotes.

Submission:

Labcorp Genetics (formerly Invitae), Labcorp
Classification: Uncertain significance. Last evaluated: 2022-11-08. Review status: criteria provided, single submitter. Criteria: Invitae Variant Classification Sherloc (09022015). Collection method: clinical testing. Allele origin: germline.
Comment: Advanced modeling of protein sequence and biophysical properties (such as structural, functional, and spatial information, amino acid conservation, physicochemical variation, residue mobility, and thermodynamic stability) performed at Invitae indicates that this missense variant is not expected to disrupt HMX1 protein function. This variant has not been reported in the literature in individuals affected with HMX1-related conditions. This variant is not present in population databases (gnomAD no frequency). This sequence change replaces alanine, which is neutral and non-polar, with proline, which is neutral and non-polar, at codon 114 of the HMX1 protein (p.Ala114Pro). In summary, the available evidence is currently insufficient to determine the role of this variant in disease. Therefore, it has been classified as a Variant of Uncertain Significance.